The following is an entry in ClinVar:

NC_000001.10:g.(?_17349093)_(17380514_?)del

Gene: SDHB (succinate dehydrogenase complex iron sulfur subunit B; minus strand). Cytogenetic location: 1p36.13.
Variant type: Deletion.
Identifiers: ClinVar variation 1455650 (VCV001455650.13).

ClinVar aggregate classification (germline): Pathogenic (1 of 4 stars; one submission).

Conditions:
Gastrointestinal stromal tumor. Also called: Gastrointestinal stroma tumor; Gastrointestinal stromal tumor, somatic. Identifiers: Orphanet 44890, MedGen C0238198, MeSH D046152, MONDO:0011719, OMIM 606764, HP:0100723.
Pheochromocytoma/paraganglioma syndrome 4. Also called: CAROTID BODY TUMORS AND MULTIPLE EXTRAADRENAL PHEOCHROMOCYTOMAS; SDHB-Related Hereditary Paraganglioma-Pheochromocytoma Syndrome; PARAGANGLIOMA, FAMILIAL MALIGNANT; PARAGANGLIOMAS, HEREDITARY EXTRAADRENAL; PHEOCHROMOCYTOMA, FAMILIAL EXTRAADRENAL; Paragangliomas 4. Identifiers: Orphanet 29072, MedGen C1861848, MONDO:0007273, OMIM 115310.
Pheochromocytoma. Also called: MAX-Related Hereditary Paraganglioma-Pheochromocytoma Syndrome. Identifiers: Orphanet 29072, MedGen C0031511, MONDO:0008233, OMIM 171300, HP:0002666.

Submission:

Labcorp Genetics (formerly Invitae), Labcorp
Classification: Pathogenic for Gastrointestinal stromal tumor; Pheochromocytoma/paraganglioma syndrome 4; Pheochromocytoma. Last evaluated: 2023-09-26. Review status: criteria provided, single submitter. Criteria: Invitae Variant Classification Sherloc (09022015). Collection method: clinical testing. Allele origin: germline.
Comment: This variant is a gross deletion of the genomic region encompassing exon(s) 1-7 of the SDHB gene, which includes the initiator codon. This deletion extends beyond the assayed region for this gene and therefore may encompass additional genes. It is expected to result in an absent or disrupted protein product. Loss-of-function variants in SDHB are known to be pathogenic (PMID: 19454582, 19802898). A similar copy number variant has been observed in individual(s) with paraganglioma (PMID: 27279923). For these reasons, this variant has been classified as Pathogenic.

Literature cited by the submitters: PubMed 19454582; PubMed 19802898; PubMed 27279923.